The following is an entry in ClinVar:

ClinVar aggregate classification (germline): Uncertain significance (1 of 4 stars; one submission).

Conditions:
Severe combined immunodeficiency due to DNA-PKcs deficiency. Also called: IMMUNODEFICIENCY 26 WITH NEUROLOGIC ABNORMALITIES; Immunodeficiency 26 with or without neurologic abnormalities. Identifiers: Orphanet 317425, MedGen C4014833, MONDO:0014423, OMIM 615966.

Submission:

Labcorp Genetics (formerly Invitae), Labcorp
Classification: Uncertain significance for Severe combined immunodeficiency due to DNA-PKcs deficiency. Last evaluated: 2022-02-25. Review status: criteria provided, single submitter. Criteria: Invitae Variant Classification Sherloc (09022015). Collection method: clinical testing. Allele origin: germline.
Comment: In summary, the available evidence is currently insufficient to determine the role of this variant in disease. Therefore, it has been classified as a Variant of Uncertain Significance. ClinVar contains an entry for this variant (Variation ID: 947598). This variant has not been reported in the literature in individuals affected with PRKDC-related conditions. This variant is not present in population databases (gnomAD no frequency). This sequence change replaces glutamine, which is neutral and polar, with proline, which is neutral and non-polar, at codon 1004 of the PRKDC protein (p.Gln1004Pro).

NM_006904.7(PRKDC):c.3011A>C (p.Gln1004Pro)

Gene: PRKDC (protein kinase, DNA-activated, catalytic subunit; minus strand). Cytogenetic location: 8q11.21.
Variant type: single nucleotide variant.
Coding change: c.3011A>C on transcript NM_006904.7 (MANE Select); coding-DNA position 3011, A replaced by C.
Protein change: p.Gln1004Pro; replaces glutamine 1004 with proline.
Molecular consequence: missense variant.
Genome position (GRCh38, 1-based): chr8:47,904,900, T>G on the plus strand (A>C on the coding strand, the complement: PRKDC is on the minus strand). VCF-style: chr8-47904900-T-G. GRCh37 (hg19) VCF-style: chr8-48817460-T-G.
Other names: c.3011A>C, p.Gln1004Pro (NM_001081640.2); short protein forms Q1004P.
Identifiers: ClinVar variation 947598 (VCV000947598.9), dbSNP rs2089746817, ClinGen allele CA371157306.